The following is an entry in ClinVar:

NM_001111125.3(IQSEC2):c.2816G>A (p.Arg939His)

Gene: IQSEC2 (IQ motif and Sec7 domain ArfGEF 2; minus strand). Cytogenetic location: Xp11.22.
Variant type: single nucleotide variant.
Coding change: c.2816G>A on transcript NM_001111125.3 (MANE Select); coding-DNA position 2816, G replaced by A.
Protein change: p.Arg939His; replaces arginine 939 with histidine.
Molecular consequence: missense variant.
Genome position (GRCh38, 1-based): chrX:53,243,405, C>T on the plus strand (G>A on the coding strand, the complement: IQSEC2 is on the minus strand). VCF-style: chrX-53243405-C-T. GRCh37 (hg19) VCF-style: chrX-53272587-C-T.
Other names: c.2201G>A, p.Arg734His (NM_015075.2); short protein forms R939H, R734H.
Identifiers: ClinVar variation 380407 (VCV000380407.28), dbSNP rs782727618, ClinGen allele CA10419888.
Genomic context (GRCh38, chrX:53,243,405, plus strand): 5'-ACAATCATGCGCTCCACAGCCTGCACCTGGGACACATGGTCATCGTTGGTCCGCAGTTCA[C>T]GCCCCTGGATGCGCTGGTAGATGCCCACCAGGAGGTCTCGGGGGATGTCTTCACCATTGT-3'
Protein context (NP_001104595.1, residues 929-949): LVGIYQRIQG[Arg939His]ELRTNDDHVS

ClinVar aggregate classification (germline): Conflicting classifications of pathogenicity. Review status: criteria provided, conflicting classifications (1 of 4 stars). 7 submissions from 7 submitters: Uncertain significance (1); Benign (1); Likely benign (4). 1 of the submissions does not count toward it. Last evaluated 2025-11-12.

Conditions:
IQSEC2-related disorder. Also called: IQSEC2-related condition.
Inborn genetic diseases. Identifiers: MedGen C0950123, MeSH D030342.
Intellectual developmental disorder, X-linked 1. Also called: Intellectual disability, X-linked 1; MENTAL RETARDATION, X-LINKED 18; MENTAL RETARDATION, X-LINKED 78; Atkin Flaitz Patil Smith syndrome. Identifiers: Orphanet 777, MedGen C2931498, MONDO:0010656, OMIM 309530.

Allele frequency attached by ClinVar (database versions not stated): gnomAD 0.00007 and 0.00006; ExAC 0.00006; gnomAD exomes 0.00010; TOPMed 0.00012.
gnomAD v4.1: 30 of 1,167,322 alleles (0.0026%); highest among the groups gnomAD compares: Admixed American, 0.062%; no homozygotes.

Submissions (7):

Labcorp Genetics (formerly Invitae), Labcorp
Classification: Benign for Intellectual developmental disorder, X-linked 1. Last evaluated: 2025-11-12. Review status: criteria provided, single submitter. Criteria: Invitae Variant Classification Sherloc (09022015). Collection method: clinical testing. Allele origin: germline.

CeGaT Center for Human Genetics Tuebingen
Classification: Likely benign. Last evaluated: 2025-09-01. Review status: criteria provided, single submitter. Criteria: CeGaT Center For Human Genetics Tuebingen Variant Classification Criteria Version 2. Collection method: clinical testing. Allele origin: germline. Affected: yes. Observed: 1 variant allele.
Comment: IQSEC2: PM5, PP2, BS2

Ambry Genetics
Classification: Likely benign for Inborn genetic diseases. Last evaluated: 2025-03-03. Review status: criteria provided, single submitter. Criteria: Ambry Variant Classification Scheme 2023. Collection method: clinical testing. Allele origin: germline.

ARUP Laboratories, Molecular Genetics and Genomics, ARUP Laboratories
Classification: Likely benign for Intellectual developmental disorder, X-linked 1. Last evaluated: 2024-09-16. Review status: criteria provided, single submitter. Criteria: ARUP Molecular Germline Variant Investigation Process 2024. Collection method: clinical testing. Allele origin: germline.

Revvity Omics, Revvity
Classification: Uncertain significance for Intellectual developmental disorder, X-linked 1. Last evaluated: 2021-03-25. Review status: criteria provided, single submitter. Criteria: ACMG Guidelines, 2015. Collection method: clinical testing. Allele origin: germline.

GeneDx
Classification: Likely benign. Last evaluated: 2021-02-25. Review status: criteria provided, single submitter. Criteria: GeneDx Variant Classification Process June 2021. Collection method: clinical testing. Allele origin: germline. Affected: yes.

PreventionGenetics, part of Exact Sciences
Classification: Likely benign for IQSEC2-related condition. Last evaluated: 2023-04-13. Review status: no assertion criteria provided. Collection method: clinical testing. Allele origin: germline. Not counted in ClinVar's aggregate classification.
Comment: This variant is classified as likely benign based on ACMG/AMP sequence variant interpretation guidelines (Richards et al. 2015 PMID: 25741868, with internal and published modifications).